The following is an entry in ClinVar:

ClinVar aggregate classification (germline): Conflicting classifications of pathogenicity. Review status: criteria provided, conflicting classifications (1 of 4 stars). 5 submissions from 5 submitters: Uncertain significance (2); Likely benign (2). 1 of the submissions does not count toward it. Last evaluated 2026-01-12.

Conditions:
Neonatal-onset encephalopathy with rigidity and seizures. Also called: Lethal neonatal spasticity-epileptic encephalopathy syndrome. Identifiers: Orphanet 435845, MedGen C3281029, MONDO:0013784, OMIM 614498.
BRAT1-related disorder. Also called: BRAT1-related disorders; BRAT1-related condition.

Allele frequency attached by ClinVar (database versions not stated): gnomAD exomes 0.00006 and 0.00016; ExAC 0.00017; ESP Exome Variant Server 0.00024; 1000 Genomes Project 0.00060; 1000 Genomes Project 30x 0.00078; gnomAD 0.00082 and 0.00088; TOPMed 0.00085.

Submissions (5):

Labcorp Genetics (formerly Invitae), Labcorp
Classification: Likely benign for Neonatal-onset encephalopathy with rigidity and seizures. Last evaluated: 2026-01-12. Review status: criteria provided, single submitter. Criteria: Invitae Variant Classification Sherloc (09022015). Collection method: clinical testing. Allele origin: germline.

Revvity Omics, Revvity
Classification: Uncertain significance. Last evaluated: 2020-12-18. Review status: criteria provided, single submitter. Criteria: ACMG Guidelines, 2015. Collection method: clinical testing. Allele origin: germline.

GeneDx
Classification: Likely benign. Last evaluated: 2020-08-20. Review status: criteria provided, single submitter. Criteria: GeneDx Variant Classification Process June 2021. Collection method: clinical testing. Allele origin: germline. Affected: yes.

Athena Diagnostics
Classification: Uncertain significance. Last evaluated: 2017-11-13. Review status: criteria provided, single submitter. Criteria: Athena Diagnostics Criteria. Collection method: clinical testing. Allele origin: germline.

PreventionGenetics, part of Exact Sciences
Classification: Likely benign for BRAT1-related condition. Last evaluated: 2023-06-06. Review status: no assertion criteria provided. Collection method: clinical testing. Allele origin: germline. Not counted in ClinVar's aggregate classification.
Comment: This variant is classified as likely benign based on ACMG/AMP sequence variant interpretation guidelines (Richards et al. 2015 PMID: 25741868, with internal and published modifications).

NM_152743.4(BRAT1):c.1792C>T (p.His598Tyr)

Gene: BRAT1 (BRCA1 associated ATM activator 1; minus strand). Cytogenetic location: 7p22.3.
Variant type: single nucleotide variant.
Coding change: c.1792C>T on transcript NM_152743.4 (MANE Select); coding-DNA position 1792, C replaced by T.
Protein change: p.His598Tyr; replaces histidine 598 with tyrosine.
Molecular consequence: missense variant. On other transcripts: non-coding transcript variant (1).
Genome position (GRCh38, 1-based): chr7:2,538,743, G>A on the plus strand (C>T on the coding strand, the complement: BRAT1 is on the minus strand). VCF-style: chr7-2538743-G-A. GRCh37 (hg19) VCF-style: chr7-2578377-G-A.
Other names: c.1972C>T, p.His658Tyr (NM_001350626.2); c.1267C>T, p.His423Tyr (NM_001350627.2); short protein forms H598Y, H423Y, H658Y.
Identifiers: ClinVar variation 566421 (VCV000566421.18), dbSNP rs201523118, ClinGen allele CA4127559.